The following is an entry in ClinVar:

ClinVar aggregate classification (germline): Uncertain significance (1 of 4 stars; one submission).

Conditions:
Hereditary cancer-predisposing syndrome. Also called: Neoplastic Syndromes, Hereditary; Tumor predisposition; Hereditary Cancer Syndrome; Hereditary neoplastic syndrome. Identifiers: Orphanet 140162, MedGen C0027672, MeSH D009386, MONDO:0015356.

Submission:

Ambry Genetics
Classification: Uncertain significance for Hereditary cancer-predisposing syndrome. Last evaluated: 2026-05-14. Review status: criteria provided, single submitter. Criteria: Ambry Variant Classification Scheme 2023. Collection method: clinical testing. Allele origin: germline.
Comment: The p.G997D variant (also known as c.2990G>A), located in coding exon 23 of the POLD1 gene, results from a G to A substitution at nucleotide position 2990. The glycine at codon 997 is replaced by aspartic acid, an amino acid with similar properties. This amino acid position is conserved. In addition, this alteration is predicted to be tolerated by in silico analysis. Based on the available evidence, the clinical significance of this variant remains unclear.

NM_002691.4(POLD1):c.2990G>A (p.Gly997Asp)

Gene: POLD1 (DNA polymerase delta 1, catalytic subunit; plus strand). Cytogenetic location: 19q13.33.
Variant type: single nucleotide variant.
Coding change: c.2990G>A on transcript NM_002691.4 (MANE Select); coding-DNA position 2990, G replaced by A.
Protein change: p.Gly997Asp; replaces glycine 997 with aspartic acid.
Molecular consequence: missense variant. On other transcripts: non-coding transcript variant (1).
Genome position (GRCh38, 1-based): chr19:50,416,646, G>A. VCF-style: chr19-50416646-G-A. GRCh37 (hg19) VCF-style: chr19-50919903-G-A.
Other names: c.2990G>A, p.Gly997Asp (NM_001256849.1, NM_001438212.1, NM_001438213.1); c.3068G>A, p.Gly1023Asp (NM_001308632.1); c.2918G>A, p.Gly973Asp (NM_001438210.1, NM_001438211.1); short protein forms G1023D, G973D, G997D.
Identifiers: ClinVar variation 4862198 (VCV004862198.1).